The following is an entry in ClinVar:

ClinVar aggregate classification (germline): Benign. Review status: criteria provided, multiple submitters, no conflicts (2 of 4 stars). 2 submissions from 2 submitters: Benign (2). Last evaluated 2014-01-09.

Allele frequency attached by ClinVar (database versions not stated): gnomAD exomes 0.06100 and 0.06954; 1000 Genomes Project 0.06450; 1000 Genomes Project 30x 0.06590; ESP Exome Variant Server 0.07699; gnomAD 0.07816 and 0.07651; TOPMed 0.07415; ExAC 0.08215.
gnomAD v4.1: 112,332 of 1,600,524 alleles (7%); highest among the groups gnomAD compares: African/African-American, 10%; 4,066 homozygotes.

Submissions (2):

GeneDx
Classification: Benign. Last evaluated: 2014-01-09. Review status: criteria provided, single submitter. Criteria: GeneDx Variant Classification (06012015). Collection method: clinical testing. Allele origin: germline. Affected: yes.
Comment: This variant is considered likely benign or benign based on one or more of the following criteria: it is a conservative change, it occurs at a poorly conserved position in the protein, it is predicted to be benign by multiple in silico algorithms, and/or has population frequency not consistent with disease.

Breakthrough Genomics
Classification: Benign. Review status: criteria provided, single submitter. Criteria: ACMG Guidelines, 2015. Collection method: not provided. Allele origin: germline. Inheritance: Unknown mechanism. Affected: yes.

NM_006351.4(TIMM44):c.*20T>G

Gene: TIMM44 (translocase of inner mitochondrial membrane 44; minus strand). Cytogenetic location: 19p13.2.
Variant type: single nucleotide variant.
Coding change: c.*20T>G on transcript NM_006351.4 (MANE Select); 20 bases downstream of the stop codon, T replaced by G.
Molecular consequence: 3 prime UTR variant.
Genome position (GRCh38, 1-based): chr19:7,927,167, A>C on the plus strand (T>G on the coding strand, the complement: TIMM44 is on the minus strand). VCF-style: chr19-7927167-A-C. GRCh37 (hg19) VCF-style: chr19-7992052-A-C.
Identifiers: ClinVar variation 137650 (VCV000137650.3), dbSNP rs12976850, ClinGen allele CA291299.
Genomic context (GRCh38, chr19:7,927,167, plus strand): 5'-TCTGGAGTTGCCGCAGGTGGTGTTGCGGTGCCTCTGTGCCTGATGACCCAGGCCGGGGCT[A>C]CCTGGCTCCGGCACCACACTCAGAGAATCTGCTCGGTGCTGGAGGCCGAGATGTCCAGGA-3'